The following is an entry in ClinVar:

NM_021008.4(DEAF1):c.633C>T (p.Ser211=)

Gene: DEAF1 (DEAF1 transcription factor; minus strand). Cytogenetic location: 11p15.5.
Variant type: single nucleotide variant.
Coding change: c.633C>T on transcript NM_021008.4 (MANE Select); coding-DNA position 633, C replaced by T.
Protein change: p.Ser211=; no amino-acid change (serine 211 retained).
Molecular consequence: synonymous variant. On other transcripts: 5 prime UTR variant (1).
Genome position (GRCh38, 1-based): chr11:687,942, G>A on the plus strand (C>T on the coding strand, the complement: DEAF1 is on the minus strand). VCF-style: chr11-687942-G-A. GRCh37 (hg19) VCF-style: chr11-687942-G-A.
Other names: c.633C>T, p.Ser211= (NM_001293634.2); c.-94C>T (NM_001367390.1).
Identifiers: ClinVar variation 1582554 (VCV001582554.10), dbSNP rs140896747, ClinGen allele CA5786477.

ClinVar aggregate classification (germline): Likely benign. Review status: criteria provided, single submitter (1 of 4 stars). 2 submissions from 2 submitters: Likely benign (1). 1 of the submissions does not count toward it. Last evaluated 2024-11-07.

Conditions:
DEAF1-related disorder.

Allele frequency attached by ClinVar (database versions not stated): ExAC 0.00003; gnomAD exomes 0.00003; gnomAD 0.00005 and 0.00006; ESP Exome Variant Server 0.00008.
gnomAD v4.1: 49 of 1,613,990 alleles (0.003%); highest among the groups gnomAD compares: Middle Eastern, 0.48%; 1 homozygote.

Submissions (2):

Labcorp Genetics (formerly Invitae), Labcorp
Classification: Likely benign. Last evaluated: 2024-11-07. Review status: criteria provided, single submitter. Criteria: Invitae Variant Classification Sherloc (09022015). Collection method: clinical testing. Allele origin: germline.

PreventionGenetics, part of Exact Sciences
Classification: Likely benign for DEAF1-related condition. Last evaluated: 2019-04-18. Review status: no assertion criteria provided. Collection method: clinical testing. Allele origin: germline. Not counted in ClinVar's aggregate classification.
Comment: This variant is classified as likely benign based on ACMG/AMP sequence variant interpretation guidelines (Richards et al. 2015 PMID: 25741868, with internal and published modifications).